The following is an entry in ClinVar:

ClinVar aggregate classification (germline): Pathogenic. Review status: criteria provided, multiple submitters, no conflicts (2 of 4 stars). 10 submissions from 10 submitters: Pathogenic (8). 2 of the submissions do not count toward it. Last evaluated 2025-12-22.

Conditions:
DMD-related disorder. Also called: DMD-related condition.
Becker muscular dystrophy (BMD). Also called: MUSCULAR DYSTROPHY, PSEUDOHYPERTROPHIC PROGRESSIVE, BECKER TYPE; Becker Muscular Dystrophy (BMD). Identifiers: Orphanet 98895, MedGen C0917713, MONDO:0010311, OMIM 300376.
Cardiomyopathy (CMYO). Also called: Cardiomyopathies. Identifiers: Orphanet 167848, MedGen C0878544, MONDO:0004994, HP:0001638. Inheritance: Various modes of inheritance.
Duchenne muscular dystrophy (DMD). Also called: MUSCULAR DYSTROPHY, PSEUDOHYPERTROPHIC PROGRESSIVE, DUCHENNE TYPE; Duchenne Muscular Dystrophy (DMD). Identifiers: Orphanet 98896, MedGen C0013264, MONDO:0010679, OMIM 310200.
Dystrophin deficiency.
Dilated cardiomyopathy 3B (CMD3B). Also called: CMD3B: DMD-Related Dilated Cardiomyopathy; CARDIOMYOPATHY, DILATED, X-LINKED; DMD-Associated Dilated Cardiomyopathy. Identifiers: Orphanet 154, MedGen C3668940, MONDO:0010542, OMIM 302045.

Submissions (10):

Labcorp Genetics (formerly Invitae), Labcorp
Classification: Pathogenic for Duchenne muscular dystrophy. Last evaluated: 2025-12-22. Review status: criteria provided, single submitter. Criteria: Invitae Variant Classification Sherloc (09022015). Collection method: clinical testing. Allele origin: germline.
Comment: This sequence change creates a premature translational stop signal (p.Arg2870*) in the DMD gene. It is expected to result in an absent or disrupted protein product. Loss-of-function variants in DMD are known to be pathogenic (PMID: 16770791, 25007885). This variant is not present in population databases (gnomAD no frequency). This premature translational stop signal has been observed in individuals with Duchenne muscular dystrophy (PMID: 11524473, 16834926, 19783145, 20098710, 20485447, 21396098, 23588064). Invitae Evidence Modeling of clinical and family history, age, sex, and reported ancestry of multiple individuals with this DMD variant has been performed. This variant is expected to be pathogenic with a positive predictive value of at least 99%. This is a validated machine learning model that incorporates the clinical features of 600,801 individuals referred to our laboratory for DMD testing. ClinVar contains an entry for this variant (Variation ID: 94810). For these reasons, this variant has been classified as Pathogenic.

PreventionGenetics, part of Exact Sciences
Classification: Pathogenic for DMD-related condition. Last evaluated: 2025-08-12. Review status: criteria provided, single submitter. Criteria: ACMG Guidelines, 2015. Collection method: clinical testing. Allele origin: germline.
Comment: The DMD c.8608C>T variant is predicted to result in premature protein termination (p.Arg2870*). This variant has been reported in many individuals with Duchenne muscular dystrophy (reported as "8921C>T; R2905X" in Mendell et al. 2001. PubMed ID: 11524473; Cho et al. 2017. PubMed ID: 27593222; Table S3 in Fan et al. 2021. PubMed ID: 34006472). This variant has not been reported in a large population database, indicating this variant is rare. Nonsense variants in DMD are expected to be pathogenic, and this variant has been classified as pathogenic by multiple independent submitters to the ClinVar database. This variant is interpreted as pathogenic.

Revvity Omics, Revvity
Classification: Pathogenic. Last evaluated: 2024-10-15. Review status: criteria provided, single submitter. Criteria: ACMG Guidelines, 2015. Collection method: clinical testing. Allele origin: germline.

Laboratory of Medical Genetics, National & Kapodistrian University of Athens
Classification: Pathogenic for Duchenne muscular dystrophy. Last evaluated: 2022-12-16. Review status: criteria provided, single submitter. Criteria: ACMG Guidelines, 2015. Collection method: clinical testing. Allele origin: germline. Affected: yes.
Comment: PVS1, PM2, PP5

Eurofins Ntd Llc (ga)
Classification: Pathogenic. Last evaluated: 2017-12-14. Review status: criteria provided, single submitter. Criteria: EGL Classification Definitions 2015. Collection method: clinical testing. Allele origin: germline. Observed: 5 variant alleles, 1 homozygote, 4 hemizygotes.

GeneDx
Classification: Pathogenic. Last evaluated: 2017-11-20. Review status: criteria provided, single submitter. Criteria: GeneDx Variant Classification Process June 2021. Collection method: clinical testing. Allele origin: germline. Affected: yes.
Comment: Based on the understanding of this genetic alteration, it may be amenable to nonsense read-through therapy that is currently available or in clinical trial; This variant is associated with the following publications: (PMID: 27593222, 26968818, 19783145, 11524473, 25525159, 23588064, 20485447, 17253928, 12632325)

Athena Diagnostics
Classification: Pathogenic for Duchenne muscular dystrophy. Last evaluated: 2013-01-08. Review status: criteria provided, single submitter. Criteria: Athena Diagnostics Criteria. Collection method: clinical testing. Allele origin: germline. Inheritance: X-linked recessive inheritance.
Comment: X-linked recessive inheritance

Juno Genomics, Hangzhou Juno Genomics, Inc
Classification: Pathogenic for Becker muscular dystrophy; Dilated cardiomyopathy 3B; Duchenne muscular dystrophy. Review status: criteria provided, single submitter. Criteria: ACMG Guidelines, 2015. Collection method: clinical testing. Allele origin: germline.
Comment: Absent from controls (or at extremely low frequency if recessive) in Genome Aggregation Database.;Null variant in a gene where loss of function (LOF) is a known mechanism of disease.;The prevalence of the variant in affected individuals is significantly increased compared to the prevalence in controls.

Natera, Inc.
Classification: Pathogenic for Becker muscular dystrophy; Cardiomyopathy; Duchenne muscular dystrophy; Dystrophin deficiency. Last evaluated: 2020-05-15. Review status: no assertion criteria provided. Collection method: clinical testing. Allele origin: germline. Not counted in ClinVar's aggregate classification.

Beijing Key Laboratory for Genetic Research of Skeletal Deformity, Peking Union Medical College Hospital
Classification: Pathogenic for Duchenne muscular dystrophy. Last evaluated: 2019-05-31. Review status: no assertion criteria provided. Collection method: research. Allele origin: de novo. Affected: yes. Not counted in ClinVar's aggregate classification.

Literature cited by the submitters: PubMed 16770791 (cited by Labcorp Genetics (formerly Invitae), Labcorp); PubMed 25007885 (cited by Labcorp Genetics (formerly Invitae), Labcorp); PubMed 11524473 (cited by Labcorp Genetics (formerly Invitae), Labcorp); PubMed 16834926 (cited by Labcorp Genetics (formerly Invitae), Labcorp and Athena Diagnostics); PubMed 19783145 (cited by Labcorp Genetics (formerly Invitae), Labcorp); PubMed 20098710 (cited by Labcorp Genetics (formerly Invitae), Labcorp); PubMed 20485447 (cited by Labcorp Genetics (formerly Invitae), Labcorp and Athena Diagnostics); PubMed 21396098 (cited by Labcorp Genetics (formerly Invitae), Labcorp and Athena Diagnostics); PubMed 23588064 (cited by Labcorp Genetics (formerly Invitae), Labcorp); PubMed 17880784 (cited by Athena Diagnostics); PubMed 17435279 (cited by Athena Diagnostics).

NM_004006.3(DMD):c.8608C>T (p.Arg2870Ter)

Gene: DMD (dystrophin; minus strand). Cytogenetic location: Xp21.2.
Variant type: single nucleotide variant.
Coding change: c.8608C>T on transcript NM_004006.3 (MANE Select); coding-DNA position 8608, C replaced by T.
Protein change: p.Arg2870Ter; replaces arginine 2870 with a stop codon.
Molecular consequence: nonsense.
Genome position (GRCh38, 1-based): chrX:31,479,043, G>A on the plus strand (C>T on the coding strand, the complement: DMD is on the minus strand). VCF-style: chrX-31479043-G-A. GRCh37 (hg19) VCF-style: chrX-31497160-G-A.
Other names: NP_003997.1:p.Arg2870*; c.8584C>T, p.Arg2862Ter (NM_000109.4); c.8596C>T, p.Arg2866Ter (NM_004009.3); c.8239C>T, p.Arg2747Ter (NM_004010.3); c.4585C>T, p.Arg1529Ter (NM_004011.4); c.4576C>T, p.Arg1526Ter (NM_004012.4); c.1228C>T, p.Arg410Ter (NM_004013.3, NM_004020.4, NM_004021.3 and 2 more transcripts); c.421C>T, p.Arg141Ter (NM_004014.3); short protein forms R2870*, R1526*, R1529*, R410*, R2747*, R2862*, R2866*, R141*.
Identifiers: ClinVar variation 94810 (VCV000094810.23), dbSNP rs398124074, ClinGen allele CA267169.